The following is an entry in ClinVar:

ClinVar aggregate classification (germline): Uncertain significance (1 of 4 stars; one submission).

Conditions:
Epidermodysplasia verruciformis. Identifiers: Orphanet 302, MedGen C0014522, MONDO:0009176.

Allele frequency attached by ClinVar (database versions not stated): gnomAD exomes below 0.00001; gnomAD 0.00003.

Submission:

Labcorp Genetics (formerly Invitae), Labcorp
Classification: Uncertain significance for Epidermodysplasia verruciformis. Last evaluated: 2022-11-22. Review status: criteria provided, single submitter. Criteria: Invitae Variant Classification Sherloc (09022015). Collection method: clinical testing. Allele origin: germline.
Comment: In summary, the available evidence is currently insufficient to determine the role of this variant in disease. Therefore, it has been classified as a Variant of Uncertain Significance. Algorithms developed to predict the effect of missense changes on protein structure and function are either unavailable or do not agree on the potential impact of this missense change (SIFT: "Not Available"; PolyPhen-2: "Possibly Damaging"; Align-GVGD: "Not Available"). ClinVar contains an entry for this variant (Variation ID: 570579). This variant has not been reported in the literature in individuals affected with TMC6-related conditions. This variant is present in population databases (no rsID available, gnomAD 0.003%). This sequence change replaces glycine, which is neutral and non-polar, with cysteine, which is neutral and slightly polar, at codon 19 of the TMC6 protein (p.Gly19Cys).

NM_001127198.5(TMC6):c.55G>T (p.Gly19Cys)

Gene: TMC6 (transmembrane channel like 6; minus strand). Cytogenetic location: 17q25.3.
Variant type: single nucleotide variant.
Coding change: c.55G>T on transcript NM_001127198.5 (MANE Select); coding-DNA position 55, G replaced by T.
Protein change: p.Gly19Cys; replaces glycine 19 with cysteine.
Molecular consequence: missense variant. On other transcripts: non-coding transcript variant (4).
Genome position (GRCh38, 1-based): chr17:78,126,778, C>A on the plus strand (G>T on the coding strand, the complement: TMC6 is on the minus strand). VCF-style: chr17-78126778-C-A. GRCh37 (hg19) VCF-style: chr17-76122859-C-A.
Other names: c.55G>T, p.Gly19Cys (NM_001321185.1, NM_001374593.1, NM_001374594.1 and 4 more transcripts); short protein forms G19C.
Identifiers: ClinVar variation 570579 (VCV000570579.7), dbSNP rs1236303263, ClinGen allele CA401237074.